The following is an entry in ClinVar:

ClinVar aggregate classification (germline): Uncertain significance (1 of 4 stars; one submission).

Allele frequency attached by ClinVar (database versions not stated): gnomAD 0.00001; gnomAD exomes 0.00001; TOPMed 0.00001.

Submission:

Labcorp Genetics (formerly Invitae), Labcorp
Classification: Uncertain significance. Last evaluated: 2023-03-08. Review status: criteria provided, single submitter. Criteria: Invitae Variant Classification Sherloc (09022015). Collection method: clinical testing. Allele origin: germline.
Comment: In summary, the available evidence is currently insufficient to determine the role of this variant in disease. Therefore, it has been classified as a Variant of Uncertain Significance. Advanced modeling of protein sequence and biophysical properties (such as structural, functional, and spatial information, amino acid conservation, physicochemical variation, residue mobility, and thermodynamic stability) performed at Invitae indicates that this missense variant is expected to disrupt RASGRP1 protein function. This variant has not been reported in the literature in individuals affected with RASGRP1-related conditions. This variant is present in population databases (no rsID available, gnomAD 0.003%). This sequence change replaces threonine, which is neutral and polar, with methionine, which is neutral and non-polar, at codon 267 of the RASGRP1 protein (p.Thr267Met).

NM_005739.4(RASGRP1):c.800C>T (p.Thr267Met)

Gene: RASGRP1 (RAS guanyl releasing protein 1; minus strand). Cytogenetic location: 15q14.
Variant type: single nucleotide variant.
Coding change: c.800C>T on transcript NM_005739.4 (MANE Select); coding-DNA position 800, C replaced by T.
Protein change: p.Thr267Met; replaces threonine 267 with methionine.
Molecular consequence: missense variant.
Genome position (GRCh38, 1-based): chr15:38,512,832, G>A on the plus strand (C>T on the coding strand, the complement: RASGRP1 is on the minus strand). VCF-style: chr15-38512832-G-A. GRCh37 (hg19) VCF-style: chr15-38805033-G-A.
Other names: c.800C>T, p.Thr267Met (NM_001128602.2, NM_001306086.2); short protein forms T267M.
Identifiers: ClinVar variation 2964959 (VCV002964959.3), dbSNP rs888821403, ClinGen allele CA268692783.